The following is an entry in ClinVar:

ClinVar aggregate classification (germline): Likely benign (1 of 4 stars; one submission).

Conditions:
PSMD12-related disorder. Also called: PSMD12-related condition.

gnomAD v4.1: 56 of 1,613,418 alleles (0.0035%); highest among the groups gnomAD compares: African/African-American, 0.04%; no homozygotes.

Submission:

PreventionGenetics, part of Exact Sciences
Classification: Likely benign for PSMD12-related condition. Last evaluated: 2025-10-01. Review status: criteria provided, single submitter. Criteria: ACMG Guidelines, 2015. Collection method: clinical testing. Allele origin: germline.
Comment: This variant is classified as likely benign based on ACMG/AMP sequence variant interpretation guidelines (Richards et al. 2015 PMID: 25741868, with internal and published modifications).

NM_002816.5(PSMD12):c.186G>A (p.Ser62=)

Gene: PSMD12 (proteasome 26S subunit, non-ATPase 12; minus strand). Cytogenetic location: 17q24.2.
Variant type: single nucleotide variant.
Coding change: c.186G>A on transcript NM_002816.5 (MANE Select); coding-DNA position 186, G replaced by A.
Protein change: p.Ser62=; no amino-acid change (serine 62 retained).
Molecular consequence: synonymous variant.
Genome position (GRCh38, 1-based): chr17:67,357,414, C>T on the plus strand (G>A on the coding strand, the complement: PSMD12 is on the minus strand). VCF-style: chr17-67357414-C-T. GRCh37 (hg19) VCF-style: chr17-65353530-C-T.
Other names: c.9G>A, p.Ser3= (NM_001316341.2); c.126G>A, p.Ser42= (NM_174871.4).
Identifiers: ClinVar variation 4989623 (VCV004989623.1).